The following is an entry in ClinVar:

ClinVar aggregate classification (germline): Uncertain significance (1 of 4 stars; one submission).

Conditions:
POLD1-related polyposis and colorectal cancer syndrome (CRCS10). Also called: Colorectal cancer 10; COLORECTAL CANCER, SUSCEPTIBILITY TO, ON CHROMOSOME 19q; Colorectal cancer, susceptibility to, 10. Identifiers: Orphanet 220460, MedGen C2675481, MONDO:0012953, OMIM 612591.

Allele frequency attached by ClinVar (database versions not stated): gnomAD exomes below 0.00001; ExAC 0.00001.

Submission:

Labcorp Genetics (formerly Invitae), Labcorp
Classification: Uncertain significance for POLD1-related polyposis and colorectal cancer syndrome. Last evaluated: 2020-05-12. Review status: criteria provided, single submitter. Criteria: Invitae Variant Classification Sherloc (09022015). Collection method: clinical testing. Allele origin: germline.
Comment: This variant has not been reported in the literature in individuals with POLD1-related conditions. This sequence change replaces phenylalanine with valine at codon 128 of the POLD1 protein (p.Phe128Val). The phenylalanine residue is highly conserved and there is a small physicochemical difference between phenylalanine and valine. This variant is present in population databases (rs750745043, ExAC 0.01%). Algorithms developed to predict the effect of missense changes on protein structure and function are either unavailable or do not agree on the potential impact of this missense change (SIFT: "Deleterious"; PolyPhen-2: "Possibly Damaging"; Align-GVGD: "Class C0"). In summary, the available evidence is currently insufficient to determine the role of this variant in disease. Therefore, it has been classified as a Variant of Uncertain Significance.

NM_002691.4(POLD1):c.382T>G (p.Phe128Val)

Gene: POLD1 (DNA polymerase delta 1, catalytic subunit; plus strand). Cytogenetic location: 19q13.33.
Variant type: single nucleotide variant.
Coding change: c.382T>G on transcript NM_002691.4 (MANE Select); coding-DNA position 382, T replaced by G.
Protein change: p.Phe128Val; replaces phenylalanine 128 with valine.
Molecular consequence: missense variant. On other transcripts: non-coding transcript variant (1).
Genome position (GRCh38, 1-based): chr19:50,401,843, T>G. VCF-style: chr19-50401843-T-G. GRCh37 (hg19) VCF-style: chr19-50905100-T-G.
Other names: c.382T>G, p.Phe128Val (NM_001256849.1, NM_001308632.1); short protein forms F128V.
Identifiers: ClinVar variation 1010296 (VCV001010296.8), dbSNP rs750745043, ClinGen allele CA9595717.